The following is an entry in ClinVar:

NM_199242.3(UNC13D):c.1831G>A (p.Ala611Thr)

Gene: UNC13D (unc-13 homolog D; minus strand). Cytogenetic location: 17q25.1.
Variant type: single nucleotide variant.
Coding change: c.1831G>A on transcript NM_199242.3 (MANE Select); coding-DNA position 1831, G replaced by A.
Protein change: p.Ala611Thr; replaces alanine 611 with threonine.
Molecular consequence: missense variant.
Genome position (GRCh38, 1-based): chr17:75,835,426, C>T on the plus strand (G>A on the coding strand, the complement: UNC13D is on the minus strand). VCF-style: chr17-75835426-C-T. GRCh37 (hg19) VCF-style: chr17-73831507-C-T.
Other names: short protein forms A611T.
Identifiers: ClinVar variation 2421798 (VCV002421798.6), dbSNP rs769353559, ClinGen allele CA8772788.

ClinVar aggregate classification (germline): Uncertain significance (1 of 4 stars; one submission).

Conditions:
Familial hemophagocytic lymphohistiocytosis 3 (FHL3). Also called: UNC13D-Related Familial Hemophagocytic Lymphohistiocytosis (UNC13D-fHLH). Identifiers: Orphanet 540, MedGen C1837174, MONDO:0012146, OMIM 608898.

Allele frequency attached by ClinVar (database versions not stated): ExAC 0.00001; gnomAD 0.00001; TOPMed 0.00001.
gnomAD v4.1: 10 of 1,612,440 alleles (0.00062%); highest among the groups gnomAD compares: Middle Eastern, 0.017%; no homozygotes.

Submission:

Labcorp Genetics (formerly Invitae), Labcorp
Classification: Uncertain significance for Familial hemophagocytic lymphohistiocytosis 3. Last evaluated: 2022-07-02. Review status: criteria provided, single submitter. Criteria: Invitae Variant Classification Sherloc (09022015). Collection method: clinical testing. Allele origin: germline.
Comment: In summary, the available evidence is currently insufficient to determine the role of this variant in disease. Therefore, it has been classified as a Variant of Uncertain Significance. Algorithms developed to predict the effect of missense changes on protein structure and function are either unavailable or do not agree on the potential impact of this missense change (SIFT: "Not Available"; PolyPhen-2: "Possibly Damaging"; Align-GVGD: "Not Available"). This variant has not been reported in the literature in individuals affected with UNC13D-related conditions. This variant is present in population databases (rs769353559, gnomAD 0.002%). This sequence change replaces alanine, which is neutral and non-polar, with threonine, which is neutral and polar, at codon 611 of the UNC13D protein (p.Ala611Thr).